The following is an entry in ClinVar:

ClinVar aggregate classification (germline): Uncertain significance (1 of 4 stars; one submission).

gnomAD v4.1: 9 of 1,584,802 alleles (0.00057%); highest among the groups gnomAD compares: African/African-American, 0.0013%; no homozygotes.

Submission:

GeneDx
Classification: Uncertain significance. Last evaluated: 2025-01-02. Review status: criteria provided, single submitter. Criteria: GeneDx Variant Classification Process June 2021. Collection method: clinical testing. Allele origin: germline. Affected: yes.
Comment: Not observed at significant frequency in large population cohorts (gnomAD); In silico analysis indicates that this missense variant does not alter protein structure/function; Has not been previously published as pathogenic or benign to our knowledge

NM_001042681.2(RERE):c.3856G>A (p.Ala1286Thr)

Gene: RERE (arginine-glutamic acid dipeptide repeats; minus strand). Cytogenetic location: 1p36.23.
Variant type: single nucleotide variant.
Coding change: c.3856G>A on transcript NM_001042681.2 (MANE Select); coding-DNA position 3856, G replaced by A.
Protein change: p.Ala1286Thr; replaces alanine 1286 with threonine.
Molecular consequence: missense variant.
Genome position (GRCh38, 1-based): chr1:8,358,679, C>T on the plus strand (G>A on the coding strand, the complement: RERE is on the minus strand). VCF-style: chr1-8358679-C-T. GRCh37 (hg19) VCF-style: chr1-8418739-C-T.
Other names: c.2194G>A, p.Ala732Thr (NM_001042682.2); c.3856G>A, p.Ala1286Thr (NM_012102.4); short protein forms A1286T, A732T.
Identifiers: ClinVar variation 4055870 (VCV004055870.1).